The following is an entry in ClinVar:

ClinVar aggregate classification (germline): Pathogenic/Likely pathogenic. Review status: criteria provided, multiple submitters, no conflicts (2 of 4 stars). 2 submissions from 2 submitters: Pathogenic (1); Likely pathogenic (1). Last evaluated 2025-06-20.

Submissions (2):

GeneDx
Classification: Pathogenic. Last evaluated: 2025-06-20. Review status: criteria provided, single submitter. Criteria: GeneDx Variant Classification Process June 2021. Collection method: clinical testing. Allele origin: germline. Affected: yes.
Comment: Nonsense variant predicted to result in protein truncation or nonsense mediated decay in a gene for which loss of function is a known mechanism of disease; Not observed at significant frequency in large population cohorts (gnomAD); This variant is associated with the following publications: (PMID: 35904121, 34750377)

CeGaT Center for Human Genetics Tuebingen
Classification: Likely pathogenic. Last evaluated: 2022-03-01. Review status: criteria provided, single submitter. Criteria: CeGaT Center For Human Genetics Tuebingen Variant Classification Criteria Version 2. Collection method: clinical testing. Allele origin: germline. Affected: yes. Observed: 1 variant allele.

NM_001287491.2(TET3):c.3100C>T (p.Arg1034Ter)

Gene: TET3 (tet methylcytosine dioxygenase 3; plus strand). Cytogenetic location: 2p13.1.
Variant type: single nucleotide variant.
Coding change: c.3100C>T on transcript NM_001287491.2 (MANE Select); coding-DNA position 3100, C replaced by T.
Protein change: p.Arg1034Ter; replaces arginine 1034 with a stop codon.
Molecular consequence: nonsense.
Genome position (GRCh38, 1-based): chr2:74,092,962, C>T. VCF-style: chr2-74092962-C-T. GRCh37 (hg19) VCF-style: chr2-74320089-C-T.
Other names: c.2821C>T, p.Arg941Ter (NM_001366022.1); c.3100C>T (NM_001287491.1); short protein forms R1034*, R941*.
Identifiers: ClinVar variation 1675787 (VCV001675787.35), dbSNP rs2104122592, ClinGen allele CA347312816.